The following is an entry in ClinVar:

NM_002109.6(HARS1):c.994A>G (p.Thr332Ala)

Gene: HARS1 (histidyl-tRNA synthetase 1; minus strand). Cytogenetic location: 5q31.3.
Variant type: single nucleotide variant.
Coding change: c.994A>G on transcript NM_002109.6 (MANE Select); coding-DNA position 994, A replaced by G.
Protein change: p.Thr332Ala; replaces threonine 332 with alanine.
Molecular consequence: missense variant.
Genome position (GRCh38, 1-based): chr5:140,676,854, T>C on the plus strand (A>G on the coding strand, the complement: HARS1 is on the minus strand). VCF-style: chr5-140676854-T-C. GRCh37 (hg19) VCF-style: chr5-140056439-T-C.
Other names: c.874A>G, p.Thr292Ala (NM_001258040.3); c.934A>G, p.Thr312Ala (NM_001258041.3); c.814A>G, p.Thr272Ala (NM_001258042.3); c.772A>G, p.Thr258Ala (NM_001289092.2); c.652A>G, p.Thr218Ala (NM_001289093.2); c.907A>G, p.Thr303Ala (NM_001289094.2); short protein forms T218A, T258A, T312A, T303A, T292A, T332A, T272A.
Identifiers: ClinVar variation 2058044 (VCV002058044.4), dbSNP rs1204082121, ClinGen allele CA361251889.
Genomic context (GRCh38, chr5:140,676,854, plus strand): 5'-GGGGCTCTTCCCCTGCCTGGGCTGGGGTCTGTAGCAGCACTGCCTCATAGATCACCCCAG[T>C]GTAGTAATCCAGCCCTCGAGCAAGGCTCAGGTCAAAGGAGATCTGTGGAGATAAGAAAAT-3'
Protein context (NP_002100.2, residues 322-342): LSLARGLDYY[Thr332Ala]GVIYEAVLLQ

ClinVar aggregate classification (germline): Uncertain significance (1 of 4 stars; one submission).

Conditions:
Usher syndrome type 3B. Also called: USHER SYNDROME, TYPE IIIB. Identifiers: MedGen C3281066, MONDO:0013788, OMIM 614504.

Allele frequency attached by ClinVar (database versions not stated): gnomAD exomes below 0.00001; TOPMed below 0.00001; gnomAD 0.00001.
gnomAD v4.1: 3 of 1,613,980 alleles (0.00019%); highest among the groups gnomAD compares: Non-Finnish European, 0.00025%; no homozygotes.

Submission:

Labcorp Genetics (formerly Invitae), Labcorp
Classification: Uncertain significance for Usher syndrome type 3B. Last evaluated: 2025-12-15. Review status: criteria provided, single submitter. Criteria: Invitae Variant Classification Sherloc (09022015). Collection method: clinical testing. Allele origin: germline.
Comment: This sequence change replaces threonine, which is neutral and polar, with alanine, which is neutral and non-polar, at codon 332 of the HARS protein (p.Thr332Ala). This variant is not present in population databases (gnomAD no frequency). This variant has not been reported in the literature in individuals affected with HARS-related conditions. ClinVar contains an entry for this variant (Variation ID: 2058044). Invitae Evidence Modeling of protein sequence and biophysical properties (such as structural, functional, and spatial information, amino acid conservation, physicochemical variation, residue mobility, and thermodynamic stability) indicates that this missense variant is expected to disrupt HARS protein function with a positive predictive value of 80%. In summary, the available evidence is currently insufficient to determine the role of this variant in disease. Therefore, it has been classified as a Variant of Uncertain Significance.